The following is an entry in ClinVar:

NM_000179.3(MSH6):c.482A>G (p.Lys161Arg)

Gene: MSH6 (mutS homolog 6; plus strand). Cytogenetic location: 2p16.3.
Variant type: single nucleotide variant.
Coding change: c.482A>G on transcript NM_000179.3 (MANE Select); coding-DNA position 482, A replaced by G.
Protein change: p.Lys161Arg; replaces lysine 161 with arginine.
Molecular consequence: missense variant. On other transcripts: 5 prime UTR variant (5), non-coding transcript variant (5), intron variant (8).
Genome position (GRCh38, 1-based): chr2:47,795,918, A>G. VCF-style: chr2-47795918-A-G. GRCh37 (hg19) VCF-style: chr2-48023057-A-G.
Other names: c.-421A>G (NM_001281494.2); c.578A>G, p.Lys193Arg (NM_001406795.1, NM_001406802.1); c.482A>G, p.Lys161Arg (NM_001406796.1, NM_001406798.1, NM_001406800.1 and 5 more transcripts); c.185A>G, p.Lys62Arg (NM_001406797.1, NM_001406801.1, NM_001406805.1 and 10 more transcripts); c.-44A>G (NM_001406799.1, NM_001406806.1, NM_001406807.1); c.404A>G, p.Lys135Arg (NM_001406804.1); c.488A>G, p.Lys163Arg (NM_001406813.1); c.-513A>G (NM_001406814.1); and 3 more; short protein forms K105R, K163R, K135R, K161R, K193R, K62R.
Identifiers: ClinVar variation 3875079 (VCV003875079.1).

ClinVar aggregate classification (germline): Uncertain significance (1 of 4 stars; one submission).

Conditions:
Hereditary cancer-predisposing syndrome. Also called: Tumor predisposition; Neoplastic Syndromes, Hereditary; Hereditary Cancer Syndrome; Hereditary neoplastic syndrome. Identifiers: Orphanet 140162, MedGen C0027672, MeSH D009386, MONDO:0015356.

Submission:

Ambry Genetics
Classification: Uncertain significance for Hereditary cancer-predisposing syndrome. Last evaluated: 2025-02-04. Review status: criteria provided, single submitter. Criteria: Ambry Variant Classification Scheme 2023. Collection method: clinical testing. Allele origin: germline.
Comment: The p.K161R variant (also known as c.482A>G), located in coding exon 3 of the MSH6 gene, results from an A to G substitution at nucleotide position 482. The lysine at codon 161 is replaced by arginine, an amino acid with highly similar properties. This amino acid position is well conserved in available vertebrate species. In addition, this alteration is predicted to be tolerated by in silico analysis. Based on the available evidence, the clinical significance of this variant remains unclear.